The following is an entry in ClinVar:

NM_201253.3(CRB1):c.1997T>A (p.Val666Asp)

Gene: CRB1 (crumbs cell polarity complex component 1; plus strand). Cytogenetic location: 1q31.3.
Variant type: single nucleotide variant.
Coding change: c.1997T>A on transcript NM_201253.3 (MANE Select); coding-DNA position 1997, T replaced by A.
Protein change: p.Val666Asp; replaces valine 666 with aspartic acid.
Molecular consequence: missense variant. On other transcripts: non-coding transcript variant (2).
Genome position (GRCh38, 1-based): chr1:197,421,825, T>A. VCF-style: chr1-197421825-T-A. GRCh37 (hg19) VCF-style: chr1-197390955-T-A.
Other names: c.1661T>A, p.Val554Asp (NM_001193640.2); c.1790T>A, p.Val597Asp (NM_001257965.2); c.1997T>A, p.Val666Asp (NM_001257966.2); short protein forms V597D, V554D, V666D.
Identifiers: ClinVar variation 1457843 (VCV001457843.7), dbSNP rs189395222, ClinGen allele CA35893916.
Genomic context (GRCh38, chr1:197,421,825, plus strand): 5'-TTAAAATTGATTGGAATCACATTACCCTGGAGAACATCTCGTCTGGCTCATCATTAAATG[T>A]CAAGGCAGGCTGTGTGAGAAAGGATTGGTGTGAAAGCCAACCTTGTCAAAGCAGAGGACG-3'
Protein context (NP_957705.1, residues 656-676): ENISSGSSLN[Val666Asp]KAGCVRKDWC

ClinVar aggregate classification (germline): Pathogenic. Review status: criteria provided, multiple submitters, no conflicts (2 of 4 stars). 2 submissions from 2 submitters: Pathogenic (2). Last evaluated 2024-02-20.

Conditions:
Leber congenital amaurosis 8 (LCA8). Identifiers: Orphanet 65, MedGen C3151202, MONDO:0013453, OMIM 613835.
Retinitis pigmentosa 12 (RP12). Also called: RP WITH OR WITHOUT PRESERVED PARAARTERIOLE RETINAL PIGMENT EPITHELIUM; RETINITIS PIGMENTOSA WITH OR WITHOUT PARAARTERIOLAR PRESERVATION OF RETINAL PIGMENT EPITHELIUM; RP WITH OR WITHOUT PPRPE. Identifiers: Orphanet 791, MedGen C1838647, MONDO:0010818, OMIM 600105.

Allele frequency attached by ClinVar (database versions not stated): gnomAD exomes below 0.00001; gnomAD 0.00001; 1000 Genomes Project 0.00020; 1000 Genomes Project 30x 0.00031.
gnomAD v4.1: 1 of 1,614,206 alleles (0.000062%); highest among the groups gnomAD compares: East Asian, 0.0022%; no homozygotes.

Submissions (2):

Baylor Genetics
Classification: Pathogenic for Leber congenital amaurosis 8. Last evaluated: 2024-02-20. Review status: criteria provided, single submitter. Criteria: ACMG Guidelines, 2015. Collection method: clinical testing. Allele origin: unknown.

Labcorp Genetics (formerly Invitae), Labcorp
Classification: Pathogenic for Leber congenital amaurosis 8; Retinitis pigmentosa 12. Last evaluated: 2023-05-08. Review status: criteria provided, single submitter. Criteria: Invitae Variant Classification Sherloc (09022015). Collection method: clinical testing. Allele origin: germline.
Comment: For these reasons, this variant has been classified as Pathogenic. Advanced modeling of protein sequence and biophysical properties (such as structural, functional, and spatial information, amino acid conservation, physicochemical variation, residue mobility, and thermodynamic stability) performed at Invitae indicates that this missense variant is expected to disrupt CRB1 protein function. ClinVar contains an entry for this variant (Variation ID: 1457843). This missense change has been observed in individuals with inherited retinal disease (PMID: 26047050, 31322236, 33342761). It has also been observed to segregate with disease in related individuals. This variant is not present in population databases (gnomAD no frequency). This sequence change replaces valine, which is neutral and non-polar, with aspartic acid, which is acidic and polar, at codon 666 of the CRB1 protein (p.Val666Asp).

Literature cited by the submitters: PubMed 26047050 (cited by Labcorp Genetics (formerly Invitae), Labcorp); PubMed 31322236 (cited by Labcorp Genetics (formerly Invitae), Labcorp); PubMed 33342761 (cited by Labcorp Genetics (formerly Invitae), Labcorp).